The following is an entry in ClinVar:

NM_022489.4(INF2):c.3104G>A (p.Gly1035Asp)

Gene: INF2 (inverted formin 2; plus strand). Cytogenetic location: 14q32.33.
Variant type: single nucleotide variant.
Coding change: c.3104G>A on transcript NM_022489.4 (MANE Select); coding-DNA position 3104, G replaced by A.
Protein change: p.Gly1035Asp; replaces glycine 1035 with aspartic acid.
Molecular consequence: missense variant.
Genome position (GRCh38, 1-based): chr14:104,714,266, G>A. VCF-style: chr14-104714266-G-A. GRCh37 (hg19) VCF-style: chr14-105180603-G-A.
Other names: c.3104G>A, p.Gly1035Asp (NM_001031714.4); short protein forms G1035D.
Identifiers: ClinVar variation 652132 (VCV000652132.11), dbSNP rs751648279, ClinGen allele CA7373181.

ClinVar aggregate classification (germline): Uncertain significance. Review status: criteria provided, multiple submitters, no conflicts (2 of 4 stars). 2 submissions from 2 submitters: Uncertain significance (2). Last evaluated 2025-10-07.

Conditions:
Focal segmental glomerulosclerosis 5 (FSGS5). Identifiers: Orphanet 656, MedGen C2750475, MONDO:0013191, OMIM 613237.
Charcot-Marie-Tooth disease dominant intermediate E. Also called: CHARCOT-MARIE-TOOTH NEUROPATHY WITH FOCAL SEGMENTAL GLOMERULONEPHRITIS. Identifiers: Orphanet 93114, MedGen C4302667, MONDO:0013758, OMIM 614455.
INF2-related disorder. Also called: INF2-related condition.

Allele frequency attached by ClinVar (database versions not stated): gnomAD 0.00001; gnomAD exomes 0.00001; ExAC 0.00002.
gnomAD v4.1: 6 of 1,594,290 alleles (0.00038%); highest among the groups gnomAD compares: Non-Finnish European, 0.00043%; no homozygotes.

Submissions (2):

PreventionGenetics, part of Exact Sciences
Classification: Uncertain significance for INF2-related condition. Last evaluated: 2025-10-07. Review status: criteria provided, single submitter. Criteria: ACMG Guidelines, 2015. Collection method: clinical testing. Allele origin: germline.
Comment: The INF2 c.3104G>A variant is predicted to result in the amino acid substitution p.Gly1035Asp. To our knowledge, this variant has not been reported in the literature. This variant is reported in 0.0027% of alleles in individuals of European (non-Finnish) descent in gnomAD. At this time, the clinical significance of this variant is uncertain due to the absence of conclusive functional and genetic evidence.

Labcorp Genetics (formerly Invitae), Labcorp
Classification: Uncertain significance for Charcot-Marie-Tooth disease dominant intermediate E; Focal segmental glomerulosclerosis 5. Last evaluated: 2023-10-22. Review status: criteria provided, single submitter. Criteria: Invitae Variant Classification Sherloc (09022015). Collection method: clinical testing. Allele origin: germline.
Comment: This sequence change replaces glycine, which is neutral and non-polar, with aspartic acid, which is acidic and polar, at codon 1035 of the INF2 protein (p.Gly1035Asp). The frequency data for this variant in the population databases is considered unreliable, as metrics indicate poor data quality at this position in the gnomAD database. This variant has not been reported in the literature in individuals affected with INF2-related conditions. ClinVar contains an entry for this variant (Variation ID: 652132). Advanced modeling of protein sequence and biophysical properties (such as structural, functional, and spatial information, amino acid conservation, physicochemical variation, residue mobility, and thermodynamic stability) performed at Invitae indicates that this missense variant is not expected to disrupt INF2 protein function. In summary, the available evidence is currently insufficient to determine the role of this variant in disease. Therefore, it has been classified as a Variant of Uncertain Significance.